The following is an entry in ClinVar:

ClinVar aggregate classification (germline): Uncertain significance (1 of 4 stars; one submission).

Submission:

Labcorp Genetics (formerly Invitae), Labcorp
Classification: Uncertain significance. Last evaluated: 2021-03-18. Review status: criteria provided, single submitter. Criteria: Invitae Variant Classification Sherloc (09022015). Collection method: clinical testing. Allele origin: germline.
Comment: Algorithms developed to predict the effect of sequence changes on RNA splicing suggest that this variant may create or strengthen a splice site, but this prediction has not been confirmed by published transcriptional studies. In summary, the available evidence is currently insufficient to determine the role of this variant in disease. Therefore, it has been classified as a Variant of Uncertain Significance. This variant has not been reported in the literature in individuals with HPS5-related conditions. Algorithms developed to predict the effect of missense changes on protein structure and function output the following: SIFT: "Tolerated"; PolyPhen-2: "Benign"; Align-GVGD: "Class C0". The glutamine amino acid residue is found in multiple mammalian species, suggesting that this missense change does not adversely affect protein function. These predictions have not been confirmed by published functional studies and their clinical significance is uncertain. This sequence change replaces histidine with glutamine at codon 886 of the HPS5 protein (p.His886Gln). The histidine residue is moderately conserved and there is a small physicochemical difference between histidine and glutamine. This variant is not present in population databases (ExAC no frequency).

NM_181507.2(HPS5):c.2658T>G (p.His886Gln)

Gene: HPS5 (HPS5 biogenesis of lysosomal organelles complex 2 subunit 2; minus strand). Cytogenetic location: 11p15.1.
Variant type: single nucleotide variant.
Coding change: c.2658T>G on transcript NM_181507.2 (MANE Select); coding-DNA position 2658, T replaced by G.
Protein change: p.His886Gln; replaces histidine 886 with glutamine.
Molecular consequence: missense variant.
Genome position (GRCh38, 1-based): chr11:18,287,594, A>C on the plus strand (T>G on the coding strand, the complement: HPS5 is on the minus strand). VCF-style: chr11-18287594-A-C. GRCh37 (hg19) VCF-style: chr11-18309141-A-C.
Other names: c.2316T>G, p.His772Gln (NM_007216.4, NM_181508.2); short protein forms H886Q, H772Q.
Identifiers: ClinVar variation 1351057 (VCV001351057.8), dbSNP rs2134249568, ClinGen allele CA379518819.